The following is an entry in ClinVar:

ClinVar aggregate classification (germline): Conflicting classifications of pathogenicity. Review status: criteria provided, conflicting classifications (1 of 4 stars). 16 submissions from 16 submitters: Pathogenic (10); Likely pathogenic (3); Uncertain significance (2). 1 of the submissions does not count toward it. Last evaluated 2025-09-05.

Conditions:
RYR1-related disorder. Also called: RYR1-related disorders; RYR1-related condition. Identifiers: MedGen CN239331.
Inborn genetic diseases. Identifiers: MedGen C0950123, MeSH D030342.
Centronuclear myopathy (CNM). Also called: Myotubular myopathy; Centronuclear myopathy, congenital. Identifiers: Orphanet 595, MedGen C0175709, MONDO:0018947. Inheritance: All.
Malignant hyperthermia, susceptibility to, 1 (MHS1). Also called: Anesthesia related hyperthermia; Malignant hyperpyrexia; Fulminating hyperpyrexia; Pharmacogenic myopathy; Malignant hyperthermia suceptibility 1; RYR1-Related Malignant Hyperthermia Susceptibility. Identifiers: Orphanet 423, MedGen C2930980, MONDO:0007783, OMIM 145600.
Congenital multicore myopathy with external ophthalmoplegia (CMYO1B). Also called: MULTIMINICORE DISEASE WITH EXTERNAL OPHTHALMOPLEGIA; Minicore myopathy with external ophthalmoplegia; Congenital myopathy 1B, autosomal recessive; Minicore myopathy; MULTICORE MYOPATHY. Identifiers: Orphanet 598, Orphanet 98905, MedGen C1850674, MONDO:0009712, OMIM 255320, HP:0003789.
Central core myopathy (CMYO1A). Also called: Central core disease; Myopathy, central fibrillar; CONGENITAL MYOPATHY 1A, AUTOSOMAL DOMINANT, WITH SUSCEPTIBILITY TO MALIGNANT HYPERTHERMIA. Identifiers: Orphanet 597, MedGen C5830701, MONDO:0007294, OMIM 117000.

Submissions 1 to 10 of 16:

Color Diagnostics, LLC DBA Color Health
Classification: Uncertain significance for Malignant hyperthermia, susceptibility to, 1. Last evaluated: 2025-09-05. Review status: criteria provided, single submitter. Criteria: ACMG Guidelines, 2015. Collection method: clinical testing. Allele origin: germline.
Comment: This missense variant replaces serine with leucine at codon 4028 of the RYR1 protein. Computational prediction suggests that this variant may not impact protein structure and function. Functional studies have reported that this variant increased sensitivity to Ca2+-dependent activation and increased activity at low Ca2+ concentration consistent with channel leak (PMID: 32236737, 32236737). This variant has not been reported in individuals affected with autosomal dominant malignant hyperthermia in the literature. This variant has not been identified in the general population by the Genome Aggregation Database (gnomAD). This variant has not been reported in individuals affected with autosomal dominant malignant hyperthermia in the literature, although it is associated with other phenotype(s) (ClinVar variation ID: 201152). Due to insufficient evidence, this variant is classified as a Variant of Uncertain Significance for autosomal dominant malignant hyperthermia.

Rady Children's Institute for Genomic Medicine, Rady Children's Hospital San Diego
Classification: Pathogenic for RYR1-related disorders. Last evaluated: 2025-03-20. Review status: criteria provided, single submitter. Criteria: ACMG Guidelines, 2015. Collection method: clinical testing. Allele origin: germline. Affected: yes.
Comment: This is a known Pathogenic variant that has been previously reported as a heterozygous change in individuals with RYR1-related myopathy (PMID: 25987458, 27447704, 31127727, 32236737, 34535181, 33333461, 34463354). The variant has been shown to segregate with disease in families exhibiting dominant inheritance and has been reported as de novo in multiple sporadic cases. The c.12083C>T (p.Ser4028Leu) variant is absent from the latest version of the gnomAD population database and thus is presumed to be rare. Based on parental analysis, this variant likely occurred as a de novo event. Based on the available evidence, c.12083C>T (p.Ser4028Leu) is classified as Pathogenic.

Labcorp Genetics (formerly Invitae), Labcorp
Classification: Pathogenic for RYR1-related disorder. Last evaluated: 2025-03-13. Review status: criteria provided, single submitter. Criteria: Invitae Variant Classification Sherloc (09022015). Collection method: clinical testing. Allele origin: germline.
Comment: This sequence change replaces serine, which is neutral and polar, with leucine, which is neutral and non-polar, at codon 4028 of the RYR1 protein (p.Ser4028Leu). This variant is not present in population databases (gnomAD no frequency). This missense change has been observed in individuals with autosomal dominant congenital myopathy (PMID: 25987458, 27447704; internal data). It has also been observed to segregate with disease in related individuals. ClinVar contains an entry for this variant (Variation ID: 201152). Invitae Evidence Modeling of protein sequence and biophysical properties (such as structural, functional, and spatial information, amino acid conservation, physicochemical variation, residue mobility, and thermodynamic stability) indicates that this missense variant is expected to disrupt RYR1 protein function with a positive predictive value of 80%. For these reasons, this variant has been classified as Pathogenic.

3billion
Classification: Pathogenic for RYR1-related disorder. Last evaluated: 2024-11-09. Review status: criteria provided, single submitter. Criteria: ACMG Guidelines, 2015. Collection method: clinical testing. Allele origin: germline. Affected: yes.
Comment: The variant is not observed in the gnomAD v4.1.0 dataset. Predicted Consequence/Location: Missense variant Functional studies provide moderate evidence of the variant having a damaging effect on the gene or gene product (PMID: 34809703). In silico tool predictions suggest damaging effect of the variant on gene or gene product [3Cnet: 0.96 (>=0.6, sensitivity 0.72 and precision 0.9)]. The same nucleotide change resulting in the same amino acid change has been previously reported as pathogenic/likely pathogenic with strong evidence (ClinVar ID: VCV000201152 /PMID: 25987458 /3billion dataset). The variant has been observed in multiple (>3) similarly affected unrelated individuals (PMID: 33333461, 34535181, 34809703). The variant has been previously reported as assumed (i.e. paternity and maternity not confirmed) de novo in at least two similarly affected unrelated individuals (PMID: 34535181). Therefore, this variant is classified as Pathogenic according to the recommendation of ACMG/AMP guideline.

Blueprint Genetics
Classification: Pathogenic for RYR1-related disorders. Last evaluated: 2024-10-18. Review status: criteria provided, single submitter. Criteria: ACMG Guidelines, 2015. Collection method: clinical testing. Allele origin: germline. Affected: yes. Observed: 4 variant alleles.

Muscle and Diseases Team, Institut de Génétique et Biologie Moléculaire et Cellulaire
Classification: Pathogenic for Centronuclear myopathy. Last evaluated: 2024-03-01. Review status: criteria provided, single submitter. Criteria: ACMG Guidelines, 2015. Collection method: research. Allele origin: de novo. Affected: yes. Observed: 1 variant allele.

Revvity Omics, Revvity
Classification: Pathogenic. Last evaluated: 2024-02-02. Review status: criteria provided, single submitter. Criteria: ACMG Guidelines, 2015. Collection method: clinical testing. Allele origin: germline.

Clinical Genetics Laboratory, Skane University Hospital Lund
Classification: Pathogenic. Last evaluated: 2023-12-19. Review status: criteria provided, single submitter. Criteria: ACMG Guidelines, 2015. Collection method: clinical testing. Allele origin: germline. Affected: yes.

Ambry Genetics
Classification: Pathogenic for Inborn genetic diseases. Last evaluated: 2023-11-03. Review status: criteria provided, single submitter. Criteria: Ambry Variant Classification Scheme 2023. Collection method: clinical testing. Allele origin: germline.
Comment: The c.12083C>T (p.S4028L) alteration is located in coding exon 88 of the RYR1 gene. This alteration results from a C to T substitution at nucleotide position 12083, causing the serine (S) at amino acid position 4028 to be replaced by a leucine (L). This variant was not reported in population-based cohorts in the Genome Aggregation Database (gnomAD). This variant has been observed in multiple individuals with clinical features of RYR1-related myopathy, including several de novo occurrences (Dai, 2015; Kushnir, 2020; Biancalana, 2021). This amino acid position is highly conserved in available vertebrate species. Experimental evidence derived from studies on muscle biopsies of patients with the variant, demonstrated increased channel oxidation and reduced RyR1-calstabin1 binding, and increased sensitivity to Ca2+-dependent activation consistent with leaky channel behavior (Kushnir, 2020; Yuan, 2021). The in silico prediction for this alteration is inconclusive. Based on the available evidence, this alteration is classified as pathogenic.

Neuberg Centre For Genomic Medicine, NCGM
Classification: Uncertain significance for Central core myopathy. Last evaluated: 2023-05-20. Review status: criteria provided, single submitter. Criteria: ACMG Guidelines, 2015. Collection method: clinical testing. Allele origin: germline. Inheritance: Autosomal dominant inheritance. Affected: yes.
Comment: The observed missense variant c.12083C>T (p.Ser4028Leu) in RYR1 gene has been reported previously in heterozygous state in multiple individuals affected with congenital myopathy, with a susceptibility to malignant hyperthermia (Dai et al. 2015; Biancalana et al. 2021). This variant is reported to segregate with the disease in families with dominant disease transmission, and may also occur de novo (Biancalana et al. 2021). Experimental evidence shows that this variant causes channel oxidation and reduces RyR1-calstabin1 binding, and causes leaky channel behavior which is known to cause muscle dysfunction (Kushnir et al. 2020; Yuan et al. 2021). The p.Ser4028Leu variant is absent in gnomAD Exomes database. This variant has been submitted to the ClinVar database as Uncertain Significance / Likely Pathogenic / Pathogenic. Multiple lines of computational evidence (SIFT - damaging; Polyphen - probably damaging; MutationTaster - disease causing) predict a damaging effect on protein structure and function for this variant. The reference amino acid at this position on RYR1 is predicted as conserved by GERP++ and PhyloP across 100 vertebrates. The amino acid Ser at position 4028 is changed to a Leu changing protein sequence and it might alter its composition and physico-chemical properties. For these reasons, this variant has been classified as Pathogenic.

NM_000540.3(RYR1):c.12083C>T (p.Ser4028Leu)

Gene: RYR1 (ryanodine receptor 1; plus strand). Cytogenetic location: 19q13.2.
Variant type: single nucleotide variant.
Coding change: c.12083C>T on transcript NM_000540.3 (MANE Select); coding-DNA position 12083, C replaced by T.
Protein change: p.Ser4028Leu; replaces serine 4028 with leucine.
Molecular consequence: missense variant.
Genome position (GRCh38, 1-based): chr19:38,546,515, C>T. VCF-style: chr19-38546515-C-T. GRCh37 (hg19) VCF-style: chr19-39037155-C-T.
Other names: c.12068C>T, p.Ser4023Leu (NM_001042723.2); short protein forms S4028L, S4023L.
Identifiers: ClinVar variation 201152 (VCV000201152.40), dbSNP rs794728696, ClinGen allele CA023962.